The following is an entry in ClinVar:

ClinVar aggregate classification (germline): Pathogenic (1 of 4 stars; one submission).

Submission:

GeneDx
Classification: Pathogenic. Last evaluated: 2016-04-26. Review status: criteria provided, single submitter. Criteria: GeneDx Variant Classification (06012015). Collection method: clinical testing. Allele origin: germline. Affected: yes.
Comment: The in-frame G12V pathogenic variant in the HRAS gene has been reported previously as a de novo variant in several unrelated individuals with a severe presentation of Costello syndrome (Burkitt-Wright et al., 2012). The G12V variant alters GTP and GDP dissociation rates resulting in increased active GTP-bound HRAS, which upregulates the Ras/MAPK pathway (Wey et al., 2013). The G12V variant was not observed in approximately 6500 individuals of European and African American ancestry in the NHLBI Exome Sequencing Project, indicating it is not a common benign variant in these populations. The G12V variant is a conservative amino acid substitution, which is not likely to impact secondary protein structure as these residues share similar properties. Missense variants at the same residue (G12S, G12C, G12D, G12A) as well as in nearby residues (G13C, G13D) have been reported in the Human Gene Mutation Database in association with Costello syndrome (Stenson et al., 2014), supporting the functional importance of this region of the protein. We interpret G12V as a pathogenic variant.

NM_005343.4(HRAS):c.35_36delinsTA (p.Gly12Val)

Genes: HRAS (HRas proto-oncogene, GTPase; minus strand), LRRC56 (leucine rich repeat containing 56; plus strand). Cytogenetic location: 11p15.5.
Variant type: Indel.
Coding change: c.35_36delinsTA on transcript NM_005343.4 (MANE Select); coding-DNA positions 35 to 36, GC replaced by TA.
Protein change: p.Gly12Val; replaces glycine 12 with valine.
Molecular consequence: missense variant. On other transcripts: 5 prime UTR variant (1).
Genome position (GRCh38, 1-based): chr11:534,287-534,288, GC replaced by TA on the plus strand (GC replaced by TA on the coding strand, the reverse complement: HRAS is on the minus strand). VCF-style: chr11-534287-GC-TA. GRCh37 (hg19) VCF-style: chr11-534287-GC-TA.
Other names: c.35_36delinsTA, p.Gly12Val (NM_001130442.3, NM_176795.5); c.-285_-284delinsTA (NM_001318054.2); short protein forms G12V.
Identifiers: ClinVar variation 279921 (VCV000279921.2), dbSNP rs727503094, ClinGen allele CA10603217.